The following is an entry in ClinVar:

NM_004456.5(EZH2):c.906T>C (p.Tyr302=)

Gene: EZH2 (enhancer of zeste 2 polycomb repressive complex 2 subunit; minus strand). Cytogenetic location: 7q36.1.
Variant type: single nucleotide variant.
Coding change: c.906T>C on transcript NM_004456.5 (MANE Select); coding-DNA position 906, T replaced by C.
Protein change: p.Tyr302=; no amino-acid change (tyrosine 302 retained).
Molecular consequence: synonymous variant. On other transcripts: intron variant (4).
Genome position (GRCh38, 1-based): chr7:148,826,455, A>G on the plus strand (T>C on the coding strand, the complement: EZH2 is on the minus strand). VCF-style: chr7-148826455-A-G. GRCh37 (hg19) VCF-style: chr7-148523547-A-G.
Other names: c.865+14T>C (NM_001203248.2, NM_001203249.2); c.775+14T>C (NM_152998.3); c.892+14T>C (NM_001203247.2).
Identifiers: ClinVar variation 2876261 (VCV002876261.4), dbSNP rs765606835, ClinGen allele CA4548026.
Genomic context (GRCh38, chr7:148,826,455, plus strand): 5'-CACTCTCCAAGCTGCTTTAAAACATAATTCCACAACAAAGATAGAAAATGAAAACGTACA[A>G]TAATTGCACTTACGATGTAGGAAGCAGTCATATTTAAAACATCGCCTACAGAAAAGCGTA-3'
Protein context (NP_004447.2, residues 292-312): YDCFLHRKCN[Tyr302=]SFHATPNTYK

ClinVar aggregate classification (germline): Uncertain significance. Review status: criteria provided, multiple submitters, no conflicts (2 of 4 stars). 2 submissions from 2 submitters: Uncertain significance (2). Last evaluated 2024-06-05.

Conditions:
Weaver syndrome (WVS). Also called: Weaver Smith syndrome; Overgrowth syndrome with accelerated skeletal maturation, unusual facies, and camptodactyly. Identifiers: Orphanet 3447, MedGen C0265210, MONDO:0010193, OMIM 277590.

Allele frequency attached by ClinVar (database versions not stated): gnomAD 0.00001; TOPMed 0.00002; gnomAD exomes 0.00003; ExAC 0.00005.
gnomAD v4.1: 16 of 1,567,934 alleles (0.001%); highest among the groups gnomAD compares: Admixed American, 0.022%; no homozygotes.

Submissions (2):

Fulgent Genetics
Classification: Uncertain significance for Weaver syndrome. Last evaluated: 2024-06-05. Review status: criteria provided, single submitter. Criteria: ACMG Guidelines, 2015. Collection method: clinical testing. Allele origin: germline.

Labcorp Genetics (formerly Invitae), Labcorp
Classification: Uncertain significance for Weaver syndrome. Last evaluated: 2024-01-30. Review status: criteria provided, single submitter. Criteria: Invitae Variant Classification Sherloc (09022015). Collection method: clinical testing. Allele origin: germline.
Comment: This sequence change affects codon 302 of the EZH2 mRNA. It is a 'silent' change, meaning that it does not change the encoded amino acid sequence of the EZH2 protein. It affects a nucleotide within the consensus splice site. This variant is present in population databases (rs765606835, gnomAD 0.03%). This variant has not been reported in the literature in individuals affected with EZH2-related conditions. Algorithms developed to predict the effect of sequence changes on RNA splicing suggest that this variant is not likely to affect RNA splicing. In summary, the available evidence is currently insufficient to determine the role of this variant in disease. Therefore, it has been classified as a Variant of Uncertain Significance.